The following is an entry in ClinVar:

NM_003924.4(PHOX2B):c.586G>A (p.Gly196Arg)

Gene: PHOX2B (paired like homeobox 2B; minus strand). Cytogenetic location: 4p13.
Variant type: single nucleotide variant.
Coding change: c.586G>A on transcript NM_003924.4 (MANE Select); coding-DNA position 586, G replaced by A.
Protein change: p.Gly196Arg; replaces glycine 196 with arginine.
Molecular consequence: missense variant.
Genome position (GRCh38, 1-based): chr4:41,746,166, C>T on the plus strand (G>A on the coding strand, the complement: PHOX2B is on the minus strand). VCF-style: chr4-41746166-C-T. GRCh37 (hg19) VCF-style: chr4-41748183-C-T.
Other names: short protein forms G196R.
Identifiers: ClinVar variation 2560423 (VCV002560423.2), dbSNP rs2552096872, ClinGen allele CA356737884.

ClinVar aggregate classification (germline): Uncertain significance (1 of 4 stars; one submission).

Conditions:
Hereditary cancer-predisposing syndrome. Also called: Neoplastic Syndromes, Hereditary; Hereditary Cancer Syndrome; Hereditary neoplastic syndrome; Tumor predisposition. Identifiers: Orphanet 140162, MedGen C0027672, MeSH D009386, MONDO:0015356.

Submission:

Ambry Genetics
Classification: Uncertain significance for Hereditary cancer-predisposing syndrome. Last evaluated: 2023-04-18. Review status: criteria provided, single submitter. Criteria: Ambry Variant Classification Scheme 2023. Collection method: clinical testing. Allele origin: germline.
Comment: The p.G196R variant (also known as c.586G>A), located in coding exon 3 of the PHOX2B gene, results from a G to A substitution at nucleotide position 586. The glycine at codon 196 is replaced by arginine, an amino acid with dissimilar properties. This amino acid position is conserved. In addition, the in silico prediction for this alteration is inconclusive. Since supporting evidence is limited at this time, the clinical significance of this alteration remains unclear.